The following is an entry in ClinVar:

NM_001458.5(FLNC):c.7486G>C (p.Val2496Leu)

Genes: FLNC (filamin C; plus strand), FLNC-AS1 (FLNC antisense RNA 1; minus strand). Cytogenetic location: 7q32.1.
Variant type: single nucleotide variant.
Coding change: c.7486G>C on transcript NM_001458.5 (MANE Select); coding-DNA position 7486, G replaced by C.
Protein change: p.Val2496Leu; replaces valine 2496 with leucine.
Molecular consequence: missense variant.
Genome position (GRCh38, 1-based): chr7:128,856,846, G>C. VCF-style: chr7-128856846-G-C. GRCh37 (hg19) VCF-style: chr7-128496900-G-C.
Other names: c.7387G>C, p.Val2463Leu (NM_001127487.2); short protein forms V2463L, V2496L.
Identifiers: ClinVar variation 2631516 (VCV002631516.4), dbSNP rs200295337, ClinGen allele CA369218576.

ClinVar aggregate classification (germline): Conflicting classifications of pathogenicity. Review status: criteria provided, conflicting classifications (1 of 4 stars). 2 submissions from 2 submitters: Uncertain significance (1); Likely benign (1). Last evaluated 2024-10-15.

Conditions:
FLNC-related disorder. Also called: FLNC-related condition; FLNC-related disorders.
Myofibrillar myopathy 5. Also called: Filaminopathy (type); FILAMINOPATHY, AUTOSOMAL DOMINANT. Identifiers: Orphanet 171445, MedGen C1836050, MONDO:0012289, OMIM 609524.
Distal myopathy with posterior leg and anterior hand involvement. Also called: WILLIAMS DISTAL MYOPATHY. Identifiers: Orphanet 63273, MedGen C3279722, MONDO:0013550, OMIM 614065.
Hypertrophic cardiomyopathy 26. Also called: Cardiomyopathy, familial hypertrophic, 26. Identifiers: OMIM 617047, Orphanet 75249, MedGen C4310749, MONDO:0014883.

gnomAD v4.1: 1 of 1,614,212 alleles (0.000062%); highest among the groups gnomAD compares: Non-Finnish European, 0.000085%; no homozygotes.

Submissions (2):

Labcorp Genetics (formerly Invitae), Labcorp
Classification: Likely benign for Distal myopathy with posterior leg and anterior hand involvement; Myofibrillar myopathy 5; Hypertrophic cardiomyopathy 26. Last evaluated: 2024-10-15. Review status: criteria provided, single submitter. Criteria: Invitae Variant Classification Sherloc (09022015). Collection method: clinical testing. Allele origin: germline.

PreventionGenetics, part of Exact Sciences
Classification: Uncertain significance for FLNC-related condition. Last evaluated: 2023-06-24. Review status: criteria provided, single submitter. Criteria: ACMG Guidelines, 2015. Collection method: clinical testing. Allele origin: germline.
Comment: The FLNC c.7486G>C variant is predicted to result in the amino acid substitution p.Val2496Leu. To our knowledge, this variant has not been reported in the literature. This variant is reported in 0.00088% of alleles in individuals of European (Non-Finnish) descent in gnomAD. At this time, the clinical significance of this variant is uncertain due to the absence of conclusive functional and genetic evidence.